The following is an entry in ClinVar:

ClinVar aggregate classification (germline): Uncertain significance (1 of 4 stars; one submission).

gnomAD v4.1: 2 of 1,614,080 alleles (0.00012%); highest among the groups gnomAD compares: Non-Finnish European, 0.00017%; no homozygotes.

Submission:

Labcorp Genetics (formerly Invitae), Labcorp
Classification: Uncertain significance. Last evaluated: 2025-01-26. Review status: criteria provided, single submitter. Criteria: Invitae Variant Classification Sherloc (09022015). Collection method: clinical testing. Allele origin: germline.
Comment: This sequence change replaces glutamic acid, which is acidic and polar, with lysine, which is basic and polar, at codon 639 of the ANKZF1 protein (p.Glu639Lys). This variant is not present in population databases (gnomAD no frequency). This variant has not been reported in the literature in individuals affected with ANKZF1-related conditions. An algorithm developed to predict the effect of missense changes on protein structure and function (PolyPhen-2) suggests that this variant is likely to be tolerated. In summary, the available evidence is currently insufficient to determine the role of this variant in disease. Therefore, it has been classified as a Variant of Uncertain Significance.

NM_018089.3(ANKZF1):c.1915G>A (p.Glu639Lys)

Gene: ANKZF1 (ankyrin repeat and zinc finger peptidyl tRNA hydrolase 1; plus strand). Cytogenetic location: 2q35.
Variant type: single nucleotide variant.
Coding change: c.1915G>A on transcript NM_018089.3 (MANE Select); coding-DNA position 1915, G replaced by A.
Protein change: p.Glu639Lys; replaces glutamic acid 639 with lysine.
Molecular consequence: missense variant.
Genome position (GRCh38, 1-based): chr2:219,235,819, G>A. VCF-style: chr2-219235819-G-A. GRCh37 (hg19) VCF-style: chr2-220100541-G-A.
Other names: c.1915G>A, p.Glu639Lys (NM_001042410.2); c.1285G>A, p.Glu429Lys (NM_001282792.2); short protein forms E429K, E639K.
Identifiers: ClinVar variation 3641568 (VCV003641568.2).
Genomic context (GRCh38, chr2:219,235,819, plus strand): 5'-AGGGAGCAGAAGGCAGCCCGGCGGCAACGGGAGGAACAGCAGCAGAGGCAGCAGGAGCAG[G>A]AGGAGCGTGAACGAGAAGAGCAGCGGCGATTTGCCGCCCTCAGTGACCGAGAGAAGGTGA-3'
Protein context (NP_060559.2, residues 629-649): EEQQQRQQEQ[Glu639Lys]EREREEQRRF